The following is an entry in ClinVar:

NM_001232.4(CASQ2):c.381C>T (p.Gly127=)

Gene: CASQ2 (calsequestrin 2; minus strand). Cytogenetic location: 1p13.1.
Variant type: single nucleotide variant.
Coding change: c.381C>T on transcript NM_001232.4 (MANE Select); coding-DNA position 381, C replaced by T.
Protein change: p.Gly127=; no amino-acid change (glycine 127 retained).
Molecular consequence: synonymous variant.
Genome position (GRCh38, 1-based): chr1:115,740,767, G>A on the plus strand (C>T on the coding strand, the complement: CASQ2 is on the minus strand). VCF-style: chr1-115740767-G-A. GRCh37 (hg19) VCF-style: chr1-116283388-G-A.
Identifiers: ClinVar variation 801535 (VCV000801535.15), dbSNP rs775663612, ClinGen allele CA1023929.

ClinVar aggregate classification (germline): Conflicting classifications of pathogenicity. Review status: criteria provided, conflicting classifications (1 of 4 stars). 7 submissions from 7 submitters: Pathogenic (1); Likely pathogenic (5); Uncertain significance (1). Last evaluated 2026-08-01.

Conditions:
Cardiovascular phenotype. Identifiers: MedGen CN230736.
Catecholaminergic polymorphic ventricular tachycardia 2. Also called: CASQ2-Related Catecholaminergic Polymorphic Ventricular Tachycardia; VENTRICULAR TACHYCARDIA, STRESS-INDUCED POLYMORPHIC 2. Identifiers: Orphanet 3286, MedGen C2677794, MONDO:0012762, OMIM 611938.
Catecholaminergic polymorphic ventricular tachycardia 1. Also called: RYR2-Related Catecholaminergic Polymorphic Ventricular Tachycardia; VENTRICULAR TACHYCARDIA, CATECHOLAMINERGIC POLYMORPHIC, 1, WITH OR WITHOUT ATRIAL DYSFUNCTION AND/OR DILATED CARDIOMYOPATHY; VENTRICULAR TACHYCARDIA, STRESS-INDUCED POLYMORPHIC 1. Identifiers: Orphanet 3286, MedGen C1631597, MONDO:0011484, OMIM 604772.

Allele frequency attached by ClinVar (database versions not stated): TOPMed 0.00003.
gnomAD v4.1: 15 of 1,613,030 alleles (0.00093%); highest among the groups gnomAD compares: Admixed American, 0.005%; no homozygotes.

Submissions (7):

CeGaT Center for Human Genetics Tuebingen
Classification: Uncertain significance. Last evaluated: 2026-08-01. Review status: criteria provided, single submitter. Criteria: CeGaT Center For Human Genetics Tuebingen Variant Classification Criteria Version 2. Collection method: clinical testing. Allele origin: germline. Affected: yes. Observed: 1 variant allele.
Comment: CASQ2: PM3, PM2:Supporting, PS3:Supporting

Labcorp Genetics (formerly Invitae), Labcorp
Classification: Pathogenic for Catecholaminergic polymorphic ventricular tachycardia 1. Last evaluated: 2025-09-03. Review status: criteria provided, single submitter. Criteria: Invitae Variant Classification Sherloc (09022015). Collection method: clinical testing. Allele origin: germline.
Comment: This sequence change affects codon 127 of the CASQ2 mRNA. It is a 'silent' change, meaning that it does not change the encoded amino acid sequence of the CASQ2 protein. This variant is present in population databases (rs775663612, gnomAD 0.003%). This variant has been observed in individual(s) with catecholaminergic polymorphic ventricular tachycardia (PMID: 21618644; internal data). In at least one individual the data is consistent with being in trans (on the opposite chromosome) from a pathogenic variant. ClinVar contains an entry for this variant (Variation ID: 801535). Studies have shown that this variant alters mRNA splicing and is expected to lead to the loss of protein expression (PMID: 21618644). For these reasons, this variant has been classified as Pathogenic.

Fulgent Genetics
Classification: Likely pathogenic for Catecholaminergic polymorphic ventricular tachycardia 2. Last evaluated: 2024-05-09. Review status: criteria provided, single submitter. Criteria: ACMG Guidelines, 2015. Collection method: clinical testing. Allele origin: germline.

Genome-Nilou Lab
Classification: Likely pathogenic for Catecholaminergic polymorphic ventricular tachycardia 2. Last evaluated: 2023-04-11. Review status: criteria provided, single submitter. Criteria: ACMG Guidelines, 2015. Collection method: clinical testing. Allele origin: germline. Affected: no.

Ambry Genetics
Classification: Likely pathogenic for Cardiovascular phenotype. Last evaluated: 2022-01-13. Review status: criteria provided, single submitter. Criteria: Ambry Variant Classification Scheme 2023. Collection method: clinical testing. Allele origin: germline.
Comment: The c.381C>T variant (also known as p.G127G), located in coding exon 3 of the CASQ2 gene, results from a C to T substitution at nucleotide position 381. This nucleotide substitution does not change the amino acid at codon 127. This alteration has been detected in trans with a CASQ2 frameshift alteration in a proband reported to have catecholaminergic polymorphic ventricular tachycardia (CPVT), while the proband's father with the c.381C>T alteration was reported to have non-sustained ventricular tachycardia on stress test. A minigene assay indicated this variant to result in aberrant splicing with a predicted premature stop codon (Roux-Buisson N et al. Hum. Mutat., 2011 Sep;32:995-9). This variant was also reported in an arrhythmia cohort in two individuals with a diagnosis of CPVT; however, details were limited (Ramos-Maqueda J et al. PLoS One, 2020 Apr;15:e0231442). This nucleotide position is not well conserved in available vertebrate species. In silico splice site analysis predicts that this alteration may result in the creation or strengthening of a novel splice donor site. Based on the majority of available evidence to date, this variant is likely to be pathogenic.

Mendelics
Classification: Likely pathogenic for Catecholaminergic polymorphic ventricular tachycardia 2. Last evaluated: 2019-05-28. Review status: criteria provided, single submitter. Criteria: Mendelics Assertion Criteria 2017. Collection method: clinical testing. Allele origin: unknown.

Juno Genomics, Hangzhou Juno Genomics, Inc
Classification: Likely pathogenic for Catecholaminergic polymorphic ventricular tachycardia 2. Review status: criteria provided, single submitter. Criteria: ACMG Guidelines, 2015. Collection method: clinical testing. Allele origin: germline.
Comment: Absent from controls (or at extremely low frequency if recessive) in Genome Aggregation Database.;Well-established in vitro or in vivo functional studies supportive of a damaging effect on the gene or gene product.;For recessive disorders, detected in trans with a pathogenic variant.;Patient's phenotype or family history is highly specific for a disease with a single genetic etiology.

Literature cited by the submitters: PubMed 21618644 (cited by Labcorp Genetics (formerly Invitae), Labcorp and Ambry Genetics); PubMed 32298319 (cited by Ambry Genetics); PubMed 32693635 (cited by Ambry Genetics).